The following is an entry in ClinVar:

ClinVar aggregate classification (germline): Uncertain significance (1 of 4 stars; one submission).

Conditions:
Hereditary cancer-predisposing syndrome. Also called: Tumor predisposition; Hereditary neoplastic syndrome; Hereditary Cancer Syndrome; Neoplastic Syndromes, Hereditary. Identifiers: Orphanet 140162, MedGen C0027672, MeSH D009386, MONDO:0015356.

Submission:

Color Diagnostics, LLC DBA Color Health
Classification: Uncertain significance for Hereditary cancer-predisposing syndrome. Last evaluated: 2020-09-15. Review status: criteria provided, single submitter. Criteria: ACMG Guidelines, 2015. Collection method: clinical testing. Allele origin: germline.
Comment: This missense variant replaces glycine with valine at codon 1492 of the BRCA1 protein. Computational prediction suggests that this variant may not impact protein structure and function (internally defined REVEL score threshold <= 0.5, PMID: 27666373). To our knowledge, functional studies have not been reported for this variant. This variant has not been reported in individuals affected with hereditary cancer in the literature. This variant has not been identified in the general population by the Genome Aggregation Database (gnomAD). The available evidence is insufficient to determine the role of this variant in disease conclusively. Therefore, this variant is classified as a Variant of Uncertain Significance.

NM_007294.4(BRCA1):c.4475G>T (p.Gly1492Val)

Gene: BRCA1 (BRCA1 DNA repair associated; minus strand). Cytogenetic location: 17q21.31.
Variant type: single nucleotide variant.
Coding change: c.4475G>T on transcript NM_007294.4 (MANE Select); coding-DNA position 4475, G replaced by T.
Protein change: p.Gly1492Val; replaces glycine 1492 with valine.
Molecular consequence: missense variant. On other transcripts: non-coding transcript variant (1).
Genome position (GRCh38, 1-based): chr17:43,076,497, C>A on the plus strand (G>T on the coding strand, the complement: BRCA1 is on the minus strand). VCF-style: chr17-43076497-C-A. GRCh37 (hg19) VCF-style: chr17-41228514-C-A.
Other names: c.4265G>T, p.Gly1422Val (NM_001407885.1, NM_001407886.1, NM_001407887.1 and 5 more transcripts); c.4262G>T, p.Gly1421Val (NM_001407896.1, NM_001407898.1, NM_001407897.1 and 12 more transcripts); c.953G>T, p.Gly318Val (NM_001408482.1, NM_001408483.1, NM_001408484.1 and 5 more transcripts); c.950G>T, p.Gly317Val (NM_001408492.1, NM_001408493.1); c.926G>T, p.Gly309Val (NM_001408494.1); c.920G>T, p.Gly307Val (NM_001408495.1); c.902G>T, p.Gly301Val (NM_001408496.1, NM_001408497.1, NM_001408498.1 and 3 more transcripts); c.899G>T, p.Gly300Val (NM_001408502.1, NM_001408503.1, NM_001408504.1); and 68 more; short protein forms G1445V, G1492V, G1513V, G388V, G1365V, G1380V, G1402V, G1404V.
Identifiers: ClinVar variation 1172378 (VCV001172378.3), dbSNP rs2052719059, ClinGen allele CA10592580.